The following is an entry in ClinVar:

NM_002474.3(MYH11):c.345+9T>C

Gene: MYH11 (myosin heavy chain 11; minus strand). Cytogenetic location: 16p13.11.
Variant type: single nucleotide variant.
Coding change: c.345+9T>C on transcript NM_002474.3 (MANE Select); 9 bases into the intron after coding-DNA position 345, T replaced by C.
Molecular consequence: intron variant.
Genome position (GRCh38, 1-based): chr16:15,837,899, A>G on the plus strand (T>C on the coding strand, the complement: MYH11 is on the minus strand). VCF-style: chr16-15837899-A-G. GRCh37 (hg19) VCF-style: chr16-15931756-A-G.
Other names: c.345+9T>C (NM_022844.3, NM_001040114.2, NM_001040113.2).
Identifiers: ClinVar variation 3054913 (VCV003054913.2), dbSNP rs2507035801, ClinGen allele CA2740093269.

ClinVar aggregate classification (germline): Likely benign (0 of 4 stars; one submission).

Conditions:
MYH11-related disorder. Also called: MYH11-related condition.

Submission:

PreventionGenetics, part of Exact Sciences
Classification: Likely benign for MYH11-related condition. Last evaluated: 2020-11-11. Review status: no assertion criteria provided. Collection method: clinical testing. Allele origin: germline.
Comment: This variant is classified as likely benign based on ACMG/AMP sequence variant interpretation guidelines (Richards et al. 2015 PMID: 25741868, with internal and published modifications).